The following is an entry in ClinVar:

NM_130839.5(UBE3A):c.1116G>C (p.Leu372Phe)

Genes: SNHG14 (small nucleolar RNA host gene 14; plus strand), UBE3A (ubiquitin protein ligase E3A; minus strand). Cytogenetic location: 15q11.2.
Variant type: single nucleotide variant.
Coding change: c.1116G>C on transcript NM_130839.5 (MANE Select); coding-DNA position 1116, G replaced by C.
Protein change: p.Leu372Phe; replaces leucine 372 with phenylalanine.
Molecular consequence: missense variant. On other transcripts: non-coding transcript variant (1), intron variant (2).
Genome position (GRCh38, 1-based): chr15:25,371,058, C>G on the plus strand (G>C on the coding strand, the complement: UBE3A is on the minus strand). VCF-style: chr15-25371058-C-G. GRCh37 (hg19) VCF-style: chr15-25616205-C-G.
Other names: c.1116G>C, p.Leu372Phe (NM_001354505.1, NM_001354538.2, NM_001354545.2); c.1056G>C, p.Leu352Phe (NM_001354506.2, NM_001354507.2, NM_001354508.2 and 17 more transcripts); c.1125G>C, p.Leu375Phe (NM_000462.5); c.939G>C, p.Leu313Phe (NM_001354546.2); c.301+4407G>C (NM_001354551.2); c.361+4407G>C (NM_001354550.2); short protein forms L313F, L352F, L372F, L375F.
Identifiers: ClinVar variation 3659073 (VCV003659073.2).

ClinVar aggregate classification (germline): Uncertain significance (1 of 4 stars; one submission).

Conditions:
Angelman syndrome (AS). Also called: HAPPY PUPPET SYNDROME. Identifiers: Orphanet 72, MedGen C0162635, MONDO:0007113, OMIM 105830. Disease mechanism: loss of function. Inheritance: AS is caused by disruption of maternally imprinted UBE3A located within the 15q11.2-q13 Angelman syndrome/Prader-Willi syndrome (AS/PWS) region., imprinting disorder.

gnomAD v4.1: 1 of 1,613,982 alleles (0.000062%); highest among the groups gnomAD compares: Non-Finnish European, 0.000085%; no homozygotes.

Submission:

Labcorp Genetics (formerly Invitae), Labcorp
Classification: Uncertain significance for Angelman syndrome. Last evaluated: 2024-07-09. Review status: criteria provided, single submitter. Criteria: Invitae Variant Classification Sherloc (09022015). Collection method: clinical testing. Allele origin: germline.
Comment: This sequence change replaces leucine, which is neutral and non-polar, with phenylalanine, which is neutral and non-polar, at codon 352 of the UBE3A protein (p.Leu352Phe). This variant is not present in population databases (gnomAD no frequency). This variant has not been reported in the literature in individuals affected with UBE3A-related conditions. Advanced modeling of protein sequence and biophysical properties (such as structural, functional, and spatial information, amino acid conservation, physicochemical variation, residue mobility, and thermodynamic stability) performed at Invitae indicates that this missense variant is expected to disrupt UBE3A protein function with a positive predictive value of 95%. In summary, the available evidence is currently insufficient to determine the role of this variant in disease. Therefore, it has been classified as a Variant of Uncertain Significance.